The following is an entry in ClinVar:

NM_181486.4(TBX5):c.970A>G (p.Thr324Ala)

Gene: TBX5 (T-box transcription factor 5; minus strand). Cytogenetic location: 12q24.21.
Variant type: single nucleotide variant.
Coding change: c.970A>G on transcript NM_181486.4 (MANE Select); coding-DNA position 970, A replaced by G.
Protein change: p.Thr324Ala; replaces threonine 324 with alanine.
Molecular consequence: missense variant.
Genome position (GRCh38, 1-based): chr12:114,366,177, T>C on the plus strand (A>G on the coding strand, the complement: TBX5 is on the minus strand). VCF-style: chr12-114366177-T-C. GRCh37 (hg19) VCF-style: chr12-114803982-T-C.
Other names: c.970A>G, p.Thr324Ala (NM_000192.3); c.820A>G, p.Thr274Ala (NM_080717.4); short protein forms T274A, T324A.
Identifiers: ClinVar variation 4615078 (VCV004615078.2).

ClinVar aggregate classification (germline): Uncertain significance. Review status: criteria provided, multiple submitters, no conflicts (2 of 4 stars). 2 submissions from 2 submitters: Uncertain significance (2). Last evaluated 2025-11-25.

Conditions:
Aortic valve disease 2 (AOVD2). Identifiers: MedGen C3542024, MONDO:0013902, OMIM 614823.
Cardiovascular phenotype. Identifiers: MedGen CN230736.

gnomAD v4.1: 2 of 1,613,986 alleles (0.00012%); highest among the groups gnomAD compares: African/African-American, 0.0027%; no homozygotes.

Submissions (2):

Ambry Genetics
Classification: Uncertain significance for Cardiovascular phenotype. Last evaluated: 2025-11-25. Review status: criteria provided, single submitter. Criteria: Ambry Variant Classification Scheme 2023. Collection method: clinical testing. Allele origin: germline.
Comment: The p.T324A variant (also known as c.970A>G), located in coding exon 7 of the TBX5 gene, results from an A to G substitution at nucleotide position 970. The threonine at codon 324 is replaced by alanine, an amino acid with similar properties. This amino acid position is conserved. In addition, the in silico prediction for this alteration is inconclusive. Based on the available evidence, the clinical significance of this variant remains unclear.

Labcorp Genetics (formerly Invitae), Labcorp
Classification: Uncertain significance for Aortic valve disease 2. Last evaluated: 2025-11-18. Review status: criteria provided, single submitter. Criteria: Invitae Variant Classification Sherloc (09022015). Collection method: clinical testing. Allele origin: germline.
Comment: This sequence change replaces threonine, which is neutral and polar, with alanine, which is neutral and non-polar, at codon 324 of the TBX5 protein (p.Thr324Ala). This variant is present in population databases (no rsID available, gnomAD 0.01%). This variant has not been reported in the literature in individuals affected with TBX5-related conditions. Invitae Evidence Modeling of protein sequence and biophysical properties (such as structural, functional, and spatial information, amino acid conservation, physicochemical variation, residue mobility, and thermodynamic stability) indicates that this missense variant is not expected to disrupt TBX5 protein function with a negative predictive value of 80%. In summary, the available evidence is currently insufficient to determine the role of this variant in disease. Therefore, it has been classified as a Variant of Uncertain Significance.